The following is an entry in ClinVar:

ClinVar aggregate classification (germline): Uncertain significance (1 of 4 stars; one submission).

Conditions:
BAP1-related tumor predisposition syndrome (TPDS1). Also called: Tumor susceptibility linked to germline BAP1 mutations; COMMON Syndrome; TUMOR PREDISPOSITION SYNDROME 1; BAP1 tumor predisposition syndrome. Identifiers: Orphanet 289539, MedGen C3280492, MONDO:0013692, OMIM 614327.

Submission:

Labcorp Genetics (formerly Invitae), Labcorp
Classification: Uncertain significance for BAP1-related tumor predisposition syndrome. Last evaluated: 2024-08-06. Review status: criteria provided, single submitter. Criteria: Invitae Variant Classification Sherloc (09022015). Collection method: clinical testing. Allele origin: germline.
Comment: This sequence change replaces proline, which is neutral and non-polar, with threonine, which is neutral and polar, at codon 426 of the BAP1 protein (p.Pro426Thr). This variant is not present in population databases (gnomAD no frequency). This variant has not been reported in the literature in individuals affected with BAP1-related conditions. Advanced modeling of protein sequence and biophysical properties (such as structural, functional, and spatial information, amino acid conservation, physicochemical variation, residue mobility, and thermodynamic stability) performed at Invitae indicates that this missense variant is not expected to disrupt BAP1 protein function with a negative predictive value of 80%. In summary, the available evidence is currently insufficient to determine the role of this variant in disease. Therefore, it has been classified as a Variant of Uncertain Significance.

NM_004656.4(BAP1):c.1276C>A (p.Pro426Thr)

Gene: BAP1 (BRCA1 associated deubiquitinase 1; minus strand). Cytogenetic location: 3p21.1.
Variant type: single nucleotide variant.
Coding change: c.1276C>A on transcript NM_004656.4 (MANE Select); coding-DNA position 1276, C replaced by A.
Protein change: p.Pro426Thr; replaces proline 426 with threonine.
Molecular consequence: missense variant.
Genome position (GRCh38, 1-based): chr3:52,403,869, G>T on the plus strand (C>A on the coding strand, the complement: BAP1 is on the minus strand). VCF-style: chr3-52403869-G-T. GRCh37 (hg19) VCF-style: chr3-52437885-G-T.
Other names: c.1222C>A, p.Pro408Thr (NM_001410772.1); short protein forms P426T, P408T.
Identifiers: ClinVar variation 3710147 (VCV003710147.2).